The following is an entry in ClinVar:

ClinVar aggregate classification (germline): Uncertain significance (1 of 4 stars; one submission).

Submission:

Labcorp Genetics (formerly Invitae), Labcorp
Classification: Uncertain significance. Last evaluated: 2022-06-20. Review status: criteria provided, single submitter. Criteria: Invitae Variant Classification Sherloc (09022015). Collection method: clinical testing. Allele origin: germline.
Comment: In summary, the available evidence is currently insufficient to determine the role of this variant in disease. Therefore, it has been classified as a Variant of Uncertain Significance. This sequence change replaces glycine, which is neutral and non-polar, with valine, which is neutral and non-polar, at codon 111 of the USH1C protein (p.Gly111Val). This variant is not present in population databases (gnomAD no frequency). This variant has not been reported in the literature in individuals affected with USH1C-related conditions. ClinVar contains an entry for this variant (Variation ID: 1035196). Algorithms developed to predict the effect of missense changes on protein structure and function (SIFT, PolyPhen-2, Align-GVGD) all suggest that this variant is likely to be disruptive.

NM_153676.4(USH1C):c.332G>T (p.Gly111Val)

Gene: USH1C (USH1 protein network component harmonin; minus strand). Cytogenetic location: 11p15.1.
Variant type: single nucleotide variant.
Coding change: c.332G>T on transcript NM_153676.4 (MANE Select); coding-DNA position 332, G replaced by T.
Protein change: p.Gly111Val; replaces glycine 111 with valine.
Molecular consequence: missense variant. On other transcripts: non-coding transcript variant (1).
Genome position (GRCh38, 1-based): chr11:17,531,209, C>A on the plus strand (G>T on the coding strand, the complement: USH1C is on the minus strand). VCF-style: chr11-17531209-C-A. GRCh37 (hg19) VCF-style: chr11-17552756-C-A.
Other names: c.332G>T, p.Gly111Val (NM_001297764.2, NM_005709.4); short protein forms G111V.
Identifiers: ClinVar variation 1035196 (VCV001035196.8), dbSNP rs1850955520, ClinGen allele CA379797004.